The following is an entry in ClinVar:

NM_032043.3(BRIP1):c.1302T>C (p.Asp434=)

Gene: BRIP1 (BRCA1 interacting DNA helicase 1; minus strand). Cytogenetic location: 17q23.2.
Variant type: single nucleotide variant.
Coding change: c.1302T>C on transcript NM_032043.3 (MANE Select); coding-DNA position 1302, T replaced by C.
Protein change: p.Asp434=; no amino-acid change (aspartic acid 434 retained).
Molecular consequence: synonymous variant.
Genome position (GRCh38, 1-based): chr17:61,799,138, A>G on the plus strand (T>C on the coding strand, the complement: BRIP1 is on the minus strand). VCF-style: chr17-61799138-A-G. GRCh37 (hg19) VCF-style: chr17-59876499-A-G.
Identifiers: ClinVar variation 1769453 (VCV001769453.6), dbSNP rs2145301595, ClinGen allele CA501151479.

ClinVar aggregate classification (germline): Benign/Likely benign. Review status: criteria provided, multiple submitters, no conflicts (2 of 4 stars). 3 submissions from 3 submitters: Benign (1); Likely benign (2). Last evaluated 2024-08-27.

Conditions:
Fanconi anemia complementation group J. Also called: BRIP1-Related Fanconi Anemia. Identifiers: Orphanet 84, MedGen C1836860, MONDO:0012187, OMIM 609054.
Familial cancer of breast. Also called: BREAST CANCER, FAMILIAL; Hereditary breast cancer; hereditary breast carcinoma. Identifiers: Orphanet 227535, MedGen C0346153, MONDO:0016419, OMIM 114480. Disease mechanism: loss of function.
Hereditary cancer-predisposing syndrome. Also called: Tumor predisposition; Neoplastic Syndromes, Hereditary; Hereditary Cancer Syndrome; Hereditary neoplastic syndrome. Identifiers: Orphanet 140162, MedGen C0027672, MeSH D009386, MONDO:0015356.

Submissions (3):

Myriad Genetics, Inc.
Classification: Benign for Familial cancer of breast. Last evaluated: 2024-08-27. Review status: criteria provided, single submitter. Criteria: Myriad Autosomal Dominant, Autosomal Recessive and X-Linked Classification Criteria (2023). Collection method: clinical testing. Allele origin: unknown.
Comment: This variant is considered benign. This variant is a silent/synonymous amino acid change and it is not expected to impact splicing.

Labcorp Genetics (formerly Invitae), Labcorp
Classification: Likely benign for Familial cancer of breast; Fanconi anemia complementation group J. Last evaluated: 2024-03-15. Review status: criteria provided, single submitter. Criteria: Invitae Variant Classification Sherloc (09022015). Collection method: clinical testing. Allele origin: germline.

Ambry Genetics
Classification: Likely benign for Hereditary cancer-predisposing syndrome. Last evaluated: 2022-01-27. Review status: criteria provided, single submitter. Criteria: Ambry Variant Classification Scheme 2023. Collection method: clinical testing. Allele origin: germline.